The following is an entry in ClinVar:

NM_001354768.3(NRL):c.416C>G (p.Ser139Trp)

Gene: NRL (neural retina leucine zipper; minus strand). Cytogenetic location: 14q11.2.
Variant type: single nucleotide variant.
Coding change: c.416C>G on transcript NM_001354768.3 (MANE Select); coding-DNA position 416, C replaced by G.
Protein change: p.Ser139Trp; replaces serine 139 with tryptophan.
Molecular consequence: missense variant.
Genome position (GRCh38, 1-based): chr14:24,081,534, G>C on the plus strand (C>G on the coding strand, the complement: NRL is on the minus strand). VCF-style: chr14-24081534-G-C. GRCh37 (hg19) VCF-style: chr14-24550743-G-C.
Other names: c.416C>G, p.Ser139Trp (NM_001354769.1, NM_006177.5); c.101C>G, p.Ser34Trp (NM_001354770.2); short protein forms S34W, S139W.
Identifiers: ClinVar variation 1429632 (VCV001429632.6), dbSNP rs2138870548, ClinGen allele CA389278888.

ClinVar aggregate classification (germline): Uncertain significance (1 of 4 stars; one submission).

Allele frequency attached by ClinVar (database versions not stated): gnomAD exomes below 0.00001.
gnomAD v4.1: 2 of 1,604,326 alleles (0.00012%); highest among the groups gnomAD compares: South Asian, 0.0011%; no homozygotes.

Submission:

Labcorp Genetics (formerly Invitae), Labcorp
Classification: Uncertain significance. Last evaluated: 2025-08-17. Review status: criteria provided, single submitter. Criteria: Invitae Variant Classification Sherloc (09022015). Collection method: clinical testing. Allele origin: germline.
Comment: This sequence change replaces serine, which is neutral and polar, with tryptophan, which is neutral and slightly polar, at codon 139 of the NRL protein (p.Ser139Trp). This variant is not present in population databases (gnomAD no frequency). This missense change has been observed in individual(s) with NRL-related conditions (PMID: 29186038). ClinVar contains an entry for this variant (Variation ID: 1429632). An algorithm developed to predict the effect of missense changes on protein structure and function (PolyPhen-2) suggests that this variant is likely to be disruptive. In summary, the available evidence is currently insufficient to determine the role of this variant in disease. Therefore, it has been classified as a Variant of Uncertain Significance.

Literature cited by the submitters: PubMed 29186038.